The following is an entry in ClinVar:

ClinVar aggregate classification (germline): Uncertain significance (0 of 4 stars; one submission).

Submission:

Richard Lifton Laboratory, Yale University School of Medicine
Classification: Uncertain significance. Review status: no assertion criteria provided. Collection method: not provided. Allele origin: somatic.
Comment: ADCY2
ClinVar note: Converted during submission from unknown to Uncertain significance.

NM_020546.3(ADCY2):c.489C>G (p.Val163=)

Gene: ADCY2 (adenylate cyclase 2; plus strand). Cytogenetic location: 5p15.31.
Variant type: single nucleotide variant.
Coding change: c.489C>G on transcript NM_020546.3 (MANE Select); coding-DNA position 489, C replaced by G.
Protein change: p.Val163=; no amino-acid change (valine 163 retained).
Molecular consequence: synonymous variant.
Genome position (GRCh38, 1-based): chr5:7,520,818, C>G. VCF-style: chr5-7520818-C-G. GRCh37 (hg19) VCF-style: chr5-7520931-C-G.
Identifiers: ClinVar variation 92006 (VCV000092006.2), dbSNP rs386352276, ClinGen allele CA232337.